The following is an entry in ClinVar:

ClinVar aggregate classification (germline): Likely benign. Review status: criteria provided, multiple submitters, no conflicts (2 of 4 stars). 8 submissions from 8 submitters: Likely benign (7). 1 of the submissions does not count toward it. Last evaluated 2026-01-28.

Conditions:
LDLRAP1-related disorder. Also called: LDLRAP1-related condition.
Cardiovascular phenotype. Identifiers: MedGen CN230736.
Hypercholesterolemia, familial, 4 (FHCL4). Also called: HYPERCHOLESTEROLEMIA, AUTOSOMAL RECESSIVE, 1; HYPERCHOLESTEROLEMIA, AUTOSOMAL RECESSIVE, 2. Identifiers: Orphanet 391665, MedGen C1863512, MONDO:0011374, OMIM 603813.

Allele frequency attached by ClinVar (database versions not stated): gnomAD exomes 0.00009 and 0.00019; ExAC 0.00021; gnomAD 0.00066 and 0.00070; TOPMed 0.00083; ESP Exome Variant Server 0.00092; 1000 Genomes Project 30x 0.00094; 1000 Genomes Project 0.00120.
gnomAD v4.1: 246 of 1,613,970 alleles (0.015%); highest among the groups gnomAD compares: African/African-American, 0.2%; no homozygotes.

Submissions (8):

Labcorp Genetics (formerly Invitae), Labcorp
Classification: Likely benign for Hypercholesterolemia, familial, 4. Last evaluated: 2026-01-28. Review status: criteria provided, single submitter. Criteria: Invitae Variant Classification Sherloc (09022015). Collection method: clinical testing. Allele origin: germline.

GENinCode PLC
Classification: Likely benign for Hypercholesterolemia, familial, 4. Last evaluated: 2023-07-22. Review status: criteria provided, single submitter. Criteria: ACMG Guidelines, 2015. Collection method: clinical testing. Allele origin: germline.
Comment: This is a synonymous (silent) variant that is not predicted by SpliceAI to impact splicing. In addition, it occurs at a nucleotide that is not conserved. Therefore this variant has been classified as Likely Benign (BP4, BP7).

Genome-Nilou Lab
Classification: Likely benign for Hypercholesterolemia, familial, 4. Last evaluated: 2023-04-11. Review status: criteria provided, single submitter. Criteria: ACMG Guidelines, 2015. Collection method: clinical testing. Allele origin: germline. Affected: no.

Women's Health and Genetics/Laboratory Corporation of America, LabCorp
Classification: Likely benign. Last evaluated: 2020-10-31. Review status: criteria provided, single submitter. Criteria: LabCorp Variant Classification Summary - May 2015. Collection method: clinical testing. Allele origin: germline.

GeneDx
Classification: Likely benign. Last evaluated: 2020-09-09. Review status: criteria provided, single submitter. Criteria: GeneDx Variant Classification Process June 2021. Collection method: clinical testing. Allele origin: germline. Affected: yes.

Ambry Genetics
Classification: Likely benign for Cardiovascular phenotype. Last evaluated: 2018-07-17. Review status: criteria provided, single submitter. Criteria: Ambry Variant Classification Scheme 2023. Collection method: clinical testing. Allele origin: germline.

Breakthrough Genomics
Classification: Likely benign. Review status: criteria provided, single submitter. Criteria: ACMG Guidelines, 2015. Collection method: not provided. Allele origin: germline. Inheritance: Autosomal recessive inheritance. Affected: yes.

PreventionGenetics, part of Exact Sciences
Classification: Likely benign for LDLRAP1-related condition. Last evaluated: 2019-08-28. Review status: no assertion criteria provided. Collection method: clinical testing. Allele origin: germline. Not counted in ClinVar's aggregate classification.
Comment: This variant is classified as likely benign based on ACMG/AMP sequence variant interpretation guidelines (Richards et al. 2015 PMID: 25741868, with internal and published modifications).

NM_015627.3(LDLRAP1):c.711G>A (p.Pro237=)

Gene: LDLRAP1 (low density lipoprotein receptor adaptor protein 1; plus strand). Cytogenetic location: 1p36.11.
Variant type: single nucleotide variant.
Coding change: c.711G>A on transcript NM_015627.3 (MANE Select); coding-DNA position 711, G replaced by A.
Protein change: p.Pro237=; no amino-acid change (proline 237 retained).
Molecular consequence: synonymous variant.
Genome position (GRCh38, 1-based): chr1:25,563,755, G>A. VCF-style: chr1-25563755-G-A. GRCh37 (hg19) VCF-style: chr1-25890246-G-A.
Identifiers: ClinVar variation 413843 (VCV000413843.21), dbSNP rs112914959, ClinGen allele CA695697.